The following is an entry in ClinVar:

NM_001127644.2(GABRA1):c.662T>C (p.Leu221Pro)

Gene: GABRA1 (gamma-aminobutyric acid type A receptor subunit alpha1; plus strand). Cytogenetic location: 5q34.
Variant type: single nucleotide variant.
Coding change: c.662T>C on transcript NM_001127644.2 (MANE Select); coding-DNA position 662, T replaced by C.
Protein change: p.Leu221Pro; replaces leucine 221 with proline.
Molecular consequence: missense variant.
Genome position (GRCh38, 1-based): chr5:161,882,660, T>C. VCF-style: chr5-161882660-T-C. GRCh37 (hg19) VCF-style: chr5-161309666-T-C.
Other names: c.662T>C, p.Leu221Pro (NM_000806.5, NM_001127643.2, NM_001127645.2 and 1 more transcripts); short protein forms L221P.
Identifiers: ClinVar variation 2443630 (VCV002443630.1), dbSNP rs2532261944, ClinGen allele CA362179611.

ClinVar aggregate classification (germline): Uncertain significance (1 of 4 stars; one submission).

Submission:

GeneDx
Classification: Uncertain significance. Last evaluated: 2022-09-07. Review status: criteria provided, single submitter. Criteria: GeneDx Variant Classification Process June 2021. Collection method: clinical testing. Allele origin: germline. Affected: yes.
Comment: Not observed at significant frequency in large population cohorts (gnomAD); In silico analysis supports that this missense variant has a deleterious effect on protein structure/function; Has not been previously published as pathogenic or benign to our knowledge